The following is an entry in ClinVar:

NM_001130009.3(GEN1):c.1014C>A (p.Asn338Lys)

Gene: GEN1 (GEN1 Holliday junction 5' flap endonuclease; plus strand). Cytogenetic location: 2p24.2.
Variant type: single nucleotide variant.
Coding change: c.1014C>A on transcript NM_001130009.3 (MANE Select); coding-DNA position 1014, C replaced by A.
Protein change: p.Asn338Lys; replaces asparagine 338 with lysine.
Molecular consequence: missense variant.
Genome position (GRCh38, 1-based): chr2:17,773,242, C>A. VCF-style: chr2-17773242-C-A. GRCh37 (hg19) VCF-style: chr2-17954509-C-A.
Other names: c.1014C>A, p.Asn338Lys (NM_182625.5); short protein forms N338K.
Identifiers: ClinVar variation 3853585 (VCV003853585.1).

ClinVar aggregate classification (germline): Uncertain significance (1 of 4 stars; one submission).

gnomAD v4.1: 1 of 1,600,152 alleles (0.000062%); highest among the groups gnomAD compares: Non-Finnish European, 0.000085%; no homozygotes.

Submission:

Ambry Genetics
Classification: Uncertain significance. Last evaluated: 2025-02-21. Review status: criteria provided, single submitter. Criteria: Ambry Variant Classification Scheme 2023. Collection method: clinical testing. Allele origin: germline.
Comment: The p.N338K variant (also known as c.1014C>A), located in coding exon 9 of the GEN1 gene, results from a C to A substitution at nucleotide position 1014. The asparagine at codon 338 is replaced by lysine, an amino acid with similar properties. This amino acid position is conserved. In addition, this alteration is predicted to be tolerated by in silico analysis. Based on the available evidence, the clinical significance of this variant remains unclear.